The following is an entry in ClinVar:

NM_018714.3(COG1):c.1823del (p.Leu608fs)

Gene: COG1 (component of oligomeric golgi complex 1; plus strand). Cytogenetic location: 17q25.1.
Variant type: Deletion.
Coding change: c.1823del on transcript NM_018714.3 (MANE Select); coding-DNA position 1823, one base deleted (T; older notation c.1823delT).
Protein change: p.Leu608fs; shifts the reading frame from leucine 608.
Molecular consequence: frameshift variant.
Genome position (GRCh38, 1-based): chr17:73,201,650, T deleted. VCF-style (leftmost placement, unchanged base first): chr17-73201649-CT-C. GRCh37 (hg19) VCF-style: chr17-71197788-CT-C.
Other names: short protein forms L608fs.
Identifiers: ClinVar variation 452106 (VCV000452106.2), dbSNP rs1555725221, ClinGen allele CA658658710.
Genomic context (GRCh38, chr17:73,201,649, plus strand): 5'-GAGCTACAGAGCATTGAAGAGGGTGTGCAAGGGCAACAGGATGCCCTCAACAGTGCCAAG[CT>C]GCACTCAGTTCTTTTCATGGCCAGACTCTGCCAGTCCCTGGGAGAGCTGTGCCCCCATCT-3'

ClinVar aggregate classification (germline): Likely pathogenic (1 of 4 stars; one submission).

Allele frequency attached by ClinVar (database versions not stated): TOPMed below 0.00001.

Submission:

GeneDx
Classification: Likely pathogenic. Last evaluated: 2017-09-22. Review status: criteria provided, single submitter. Criteria: GeneDx Variant Classification (06012015). Collection method: clinical testing. Allele origin: germline. Affected: yes.
Comment: The c.1823delT variant in the COG1 gene has not been reported previously as a pathogenic variant nor as a benign variant, to our knowledge. The c.1823delT variant causes a frameshift starting with codon Leucine 608, changes this amino acid to an Arginine residue, and creates a premature Stop codon at position 21 of the new reading frame, denoted p.Leu608ArgfsX21. This variant is predicted to cause loss of normal protein function either through protein truncation or nonsense-mediated mRNA decay. The c.1823delT variant is not observed in large population cohorts (Lek et al., 2016). We interpret c.1823delT as a likely pathogenic variant.